The following is an entry in ClinVar:

ClinVar aggregate classification (germline): Likely benign (1 of 4 stars; one submission).

Submission:

CeGaT Center for Human Genetics Tuebingen
Classification: Likely benign. Last evaluated: 2026-07-01. Review status: criteria provided, single submitter. Criteria: CeGaT Center For Human Genetics Tuebingen Variant Classification Criteria Version 2. Collection method: clinical testing. Allele origin: germline. Affected: yes. Observed: 1 variant allele.
Comment: ABL1: PM2:Supporting, BP4, BP7

NM_005157.6(ABL1):c.2904C>G (p.Ser968=)

Gene: ABL1 (ABL proto-oncogene 1, non-receptor tyrosine kinase; plus strand). Cytogenetic location: 9q34.12.
Variant type: single nucleotide variant.
Coding change: c.2904C>G on transcript NM_005157.6 (MANE Select); coding-DNA position 2904, C replaced by G.
Protein change: p.Ser968=; no amino-acid change (serine 968 retained).
Molecular consequence: synonymous variant.
Genome position (GRCh38, 1-based): chr9:130,885,194, C>G. VCF-style: chr9-130885194-C-G. GRCh37 (hg19) VCF-style: chr9-133760581-C-G.
Other names: c.2961C>G, p.Ser987= (NM_007313.3).
Identifiers: ClinVar variation 5040232 (VCV005040232.1).